The following is an entry in ClinVar:

ClinVar aggregate classification (germline): Pathogenic. Review status: criteria provided, multiple submitters, no conflicts (2 of 4 stars). 5 submissions from 5 submitters: Pathogenic (4). 1 of the submissions does not count toward it. Last evaluated 2025-12-20.

Conditions:
Mitochondrial complex I deficiency, nuclear type 23. Also called: Mitochondrial complex 1 deficiency, nuclear type 23. Identifiers: MedGen C4748799, MONDO:0032627, OMIM 618244.

Allele frequency attached by ClinVar (database versions not stated): TOPMed 0.00005; gnomAD 0.00025.
gnomAD v4.1: 74 of 1,613,814 alleles (0.0046%); highest among the groups gnomAD compares: African/African-American, 0.019%; no homozygotes.

Submissions (5):

Labcorp Genetics (formerly Invitae), Labcorp
Classification: Pathogenic. Last evaluated: 2025-12-20. Review status: criteria provided, single submitter. Criteria: Invitae Variant Classification Sherloc (09022015). Collection method: clinical testing. Allele origin: germline.
Comment: This sequence change creates a premature translational stop signal (p.Arg60*) in the NDUFA12 gene. It is expected to result in an absent or disrupted protein product. Loss-of-function variants in NDUFA12 are known to be pathogenic (PMID: 21617257, 28454995). This variant is present in population databases (rs387907139, gnomAD 0.04%). This premature translational stop signal has been observed in individual(s) with Leigh syndrome (PMID: 21617257, 32341820). ClinVar contains an entry for this variant (Variation ID: 31207). For these reasons, this variant has been classified as Pathogenic.

GeneDx
Classification: Pathogenic. Last evaluated: 2025-12-17. Review status: criteria provided, single submitter. Criteria: GeneDx Variant Classification Process June 2021. Collection method: clinical testing. Allele origin: germline. Affected: yes.
Comment: Nonsense variant predicted to result in protein truncation or nonsense mediated decay in a gene for which loss of function is a known mechanism of disease; This variant is associated with the following publications: (PMID: 22142868, 34426522, 34069703, 34849584, 34827632, 33715266, 35141356, 21617257, 32341820)

Victorian Clinical Genetics Services, Murdoch Childrens Research Institute
Classification: Pathogenic for Mitochondrial complex I deficiency, nuclear type 23. Last evaluated: 2024-10-09. Review status: criteria provided, single submitter. Criteria: ACMG Guidelines, 2015. Collection method: clinical testing. Allele origin: germline. Inheritance: Autosomal recessive inheritance. Affected: yes.
Comment: Based on the classification scheme VCGS_Germline_v1.3.4, this variant is classified as Pathogenic. Following criteria are met: 0102 - Loss of function is a known mechanism of disease in this gene and is associated with mitochondrial complex I deficiency, nuclear type 23 (MIM#618244). (I) 0106 - This gene is associated with autosomal recessive disease. (I) 0115 - Variants in this gene are known to have variable expressivity. Symptoms range from Leigh/Leigh-like syndrome to isolated optic atrophy (PMID: 35141356, 33715266). (I) 0201 - Variant is predicted to cause nonsense-mediated decay (NMD) and loss of protein (premature termination codon is located at least 54 nucleotides upstream of the final exon-exon junction). Western blot analysis showed absence of NDUFA12 protein in fibroblasts of a homozygous patient and functional complementation by a baculovirus system showed restoration of complex I activity (PMID: 21617257). (SP) 0252 - This variant is homozygous. (I) 0304 - Variant is present in gnomAD (v3) <0.01 for a recessive condition (17 heterozygotes, 0 homozygotes). (SP) 0703 - Other NMD-predicted variants comparable to the one identified in this case have moderate previous evidence for pathogenicity (DECIPHER, PMID: 35141356). (SP) 0801 - This variant has strong previous evidence of pathogenicity in unrelated individuals. This variant has been classified as pathogenic by clinical laboratories in ClinVar. This variant has also been observed in three unrelated homozygous individuals with Leigh/Leigh-like syndrome (PMID: 21617257, 35141356). (SP) 1208 - Inheritance information for this variant is not currently available in this individual. (I) Legend: (SP) - Supporting pathogenic, (I) - Information, (SB) - Supporting benign

Neuberg Centre For Genomic Medicine, NCGM
Classification: Pathogenic for Mitochondrial complex I deficiency, nuclear type 23. Last evaluated: 2023-06-22. Review status: criteria provided, single submitter. Criteria: ACMG Guidelines, 2015. Collection method: clinical testing. Allele origin: germline. Inheritance: Autosomal recessive inheritance. Affected: yes.
Comment: The observed stop gained c.178C>T (p.Arg60Ter) variant in NDUFA12 gene has been previously reported in homozygous state in multiple individuals affected with NDUFA12-related disorders (Ostergaard et al., 2011; Speer et al., 2020; Magrinelli et al., 2022). Experimental studies showed that this variant affects NDUFA12 function (Ostergaard et al., 2011). The p.Arg60Ter variant is present with allele frequency of 0.002% in gnomAD Exomes. This variant has been submitted to the ClinVar database as Pathogenic. Computational evidence (MutationTaster - Disease causing) predicts damaging effect on protein structure and function for this variant. The reference amino acid of p.Arg60Ter in NDUFA12 is predicted as conserved by GERP++ and PhyloP across 100 vertebrates. This sequence change creates a premature translational stop signal (p.Arg60Ter) in the NDUFA12 gene. This variant is predicted to cause loss of normal protein function through protein truncation. Loss of function variants in NDUFA12 gene have been previously reported to be disease causing (Alfares et al., 2017). For these reasons, this variant has been classified as Pathogenic.

OMIM
Classification: Pathogenic for MITOCHONDRIAL COMPLEX I DEFICIENCY, NUCLEAR TYPE 23. Last evaluated: 2011-11-01. Review status: no assertion criteria provided. Collection method: literature only. Allele origin: germline. Not counted in ClinVar's aggregate classification.

Literature cited by the submitters: PubMed 21617257 (cited by 3 submitters); PubMed 28454995 (cited by Labcorp Genetics (formerly Invitae), Labcorp); PubMed 32341820 (cited by Labcorp Genetics (formerly Invitae), Labcorp); PubMed 33715266 (cited by Victorian Clinical Genetics Services, Murdoch Childrens Research Institute); PubMed 35141356 (cited by Victorian Clinical Genetics Services, Murdoch Childrens Research Institute).

NM_018838.5(NDUFA12):c.178C>T (p.Arg60Ter)

Gene: NDUFA12 (NADH:ubiquinone oxidoreductase subunit A12; minus strand). Cytogenetic location: 12q22.
Variant type: single nucleotide variant.
Coding change: c.178C>T on transcript NM_018838.5 (MANE Select); coding-DNA position 178, C replaced by T.
Protein change: p.Arg60Ter; replaces arginine 60 with a stop codon.
Molecular consequence: nonsense. On other transcripts: intron variant (1).
Genome position (GRCh38, 1-based): chr12:94,994,249, G>A on the plus strand (C>T on the coding strand, the complement: NDUFA12 is on the minus strand). VCF-style: chr12-94994249-G-A. GRCh37 (hg19) VCF-style: chr12-95388025-G-A.
Other names: c.169+8490C>T (NM_001258338.2); short protein forms R60*.
Identifiers: ClinVar variation 31207 (VCV000031207.15), dbSNP rs387907139, ClinGen allele CA129760.
Genomic context (GRCh38, chr12:94,994,249, plus strand): 5'-TTCCATCCACATCCCAGAATGTGTTTTTGCCATTCATTTCAGTAGTATATACAACCCATC[G>A]GTGACGGCCTGGGTGGGAAGATGAACATTTAAAAAGAAAAACTTTTTTTTTTAAAGCATA-3'